The following is an entry in ClinVar:

ClinVar aggregate classification (germline): Uncertain significance (1 of 4 stars; one submission).

Submission:

Labcorp Genetics (formerly Invitae), Labcorp
Classification: Uncertain significance. Last evaluated: 2025-04-08. Review status: criteria provided, single submitter. Criteria: Invitae Variant Classification Sherloc (09022015). Collection method: clinical testing. Allele origin: germline.
Comment: This sequence change affects codon 2876 of the CDH23 mRNA. It is a 'silent' change, meaning that it does not change the encoded amino acid sequence of the CDH23 protein. This variant is not present in population databases (gnomAD no frequency). This variant has not been reported in the literature in individuals affected with CDH23-related conditions. ClinVar contains an entry for this variant (Variation ID: 1373483). Algorithms developed to predict the effect of sequence changes on RNA splicing suggest that this variant may create or strengthen a splice site. In summary, the available evidence is currently insufficient to determine the role of this variant in disease. Therefore, it has been classified as a Variant of Uncertain Significance.

NM_022124.6(CDH23):c.8628C>T (p.Gly2876=)

Gene: CDH23 (cadherin related 23; plus strand). Cytogenetic location: 10q22.1.
Variant type: single nucleotide variant.
Coding change: c.8628C>T on transcript NM_022124.6 (MANE Select); coding-DNA position 8628, C replaced by T.
Protein change: p.Gly2876=; no amino-acid change (glycine 2876 retained).
Molecular consequence: synonymous variant.
Genome position (GRCh38, 1-based): chr10:71,807,913, C>T. VCF-style: chr10-71807913-C-T. GRCh37 (hg19) VCF-style: chr10-73567670-C-T.
Other names: c.1908C>T, p.Gly636= (NM_001171933.1, NM_001171934.1).
Identifiers: ClinVar variation 1373483 (VCV001373483.6), dbSNP rs1366897552, ClinGen allele CA470058932.